The following is an entry in ClinVar:

NM_000368.5(TSC1):c.249C>T (p.Ala83=)

Gene: TSC1 (TSC complex subunit 1; minus strand). Cytogenetic location: 9q34.13.
Variant type: single nucleotide variant.
Coding change: c.249C>T on transcript NM_000368.5 (MANE Select); coding-DNA position 249, C replaced by T.
Protein change: p.Ala83=; no amino-acid change (alanine 83 retained).
Molecular consequence: synonymous variant. On other transcripts: 5 prime UTR variant (1), intron variant (1).
Genome position (GRCh38, 1-based): chr9:132,925,701, G>A on the plus strand (C>T on the coding strand, the complement: TSC1 is on the minus strand). VCF-style: chr9-132925701-G-A. GRCh37 (hg19) VCF-style: chr9-135801088-G-A.
Other names: c.249C>T, p.Ala83= (NM_001162426.2); c.-115C>T (NM_001362177.2); c.210+1500C>T (NM_001162427.2).
Identifiers: ClinVar variation 386172 (VCV000386172.26), dbSNP rs145783693, ClinGen allele CA032877.

ClinVar aggregate classification (germline): Benign/Likely benign. Review status: criteria provided, multiple submitters, no conflicts (2 of 4 stars). 11 submissions from 11 submitters: Benign (5); Likely benign (5). 1 of the submissions does not count toward it. Last evaluated 2026-01-09.

Conditions:
Tuberous sclerosis syndrome (TSC). Also called: Tuberous sclerosis; Tuberous Sclerosis Complex. Identifiers: Orphanet 805, MedGen C0041341, MONDO:0001734.
Tuberous sclerosis 1 (TSC1). Identifiers: Orphanet 805, MedGen C1854465, MONDO:0008612, OMIM 191100.
Hereditary cancer-predisposing syndrome. Also called: Tumor predisposition; Neoplastic Syndromes, Hereditary; Hereditary neoplastic syndrome; Hereditary Cancer Syndrome. Identifiers: Orphanet 140162, MedGen C0027672, MeSH D009386, MONDO:0015356.
TSC1-related disorder. Also called: TSC1-related condition.

Allele frequency attached by ClinVar (database versions not stated): ESP Exome Variant Server 0.00008; gnomAD 0.00011 and 0.00013; TOPMed 0.00012; ExAC 0.00003; gnomAD exomes 0.00003.
gnomAD v4.1: 54 of 1,614,042 alleles (0.0033%); highest among the groups gnomAD compares: African/African-American, 0.04%; no homozygotes.

Submissions (11):

Labcorp Genetics (formerly Invitae), Labcorp
Classification: Benign for Tuberous sclerosis 1. Last evaluated: 2026-01-09. Review status: criteria provided, single submitter. Criteria: Invitae Variant Classification Sherloc (09022015). Collection method: clinical testing. Allele origin: germline.

Myriad Genetics, Inc.
Classification: Benign for Tuberous sclerosis 1. Last evaluated: 2025-04-07. Review status: criteria provided, single submitter. Criteria: Myriad Autosomal Dominant, Autosomal Recessive and X-Linked Classification Criteria (2023). Collection method: clinical testing. Allele origin: unknown.
Comment: This variant is considered benign. This variant is a silent/synonymous amino acid change and it is not expected to impact splicing.

All of Us Research Program, National Institutes of Health
Classification: Benign for Tuberous sclerosis syndrome. Last evaluated: 2023-12-13. Review status: criteria provided, single submitter. Criteria: ACMG Guidelines, 2015. Collection method: clinical testing. Allele origin: germline. Inheritance: Autosomal dominant inheritance. Observed: 13 variant alleles, 13 heterozygotes.
Comment: This study involves interpretation of variants in research participants for the purpose of population health screening. Participant phenotype was not available at the time of variant classification. Additional details can be found in publication PMID: 35346344, PMCID: PMC8962531

Blueprint Genetics
Classification: Likely benign. Last evaluated: 2023-03-22. Review status: criteria provided, single submitter. Criteria: ACMG Guidelines, 2015. Collection method: clinical testing. Allele origin: germline.

Color Diagnostics, LLC DBA Color Health
Classification: Benign for Tuberous sclerosis syndrome. Last evaluated: 2022-05-17. Review status: criteria provided, single submitter. Criteria: ACMG Guidelines, 2015. Collection method: clinical testing. Allele origin: germline.

Genome-Nilou Lab
Classification: Benign for Tuberous sclerosis 1. Last evaluated: 2021-11-07. Review status: criteria provided, single submitter. Criteria: ACMG Guidelines, 2015. Collection method: clinical testing. Allele origin: germline. Affected: no.

Sema4
Classification: Likely benign for Hereditary cancer-predisposing syndrome. Last evaluated: 2021-07-21. Review status: criteria provided, single submitter. Criteria: Sema4 Curation Guidelines. Collection method: curation. Allele origin: germline.

GeneDx
Classification: Likely benign. Last evaluated: 2021-03-04. Review status: criteria provided, single submitter. Criteria: GeneDx Variant Classification Process June 2021. Collection method: clinical testing. Allele origin: germline. Affected: yes.

Ambry Genetics
Classification: Likely benign for Hereditary cancer-predisposing syndrome. Last evaluated: 2016-02-19. Review status: criteria provided, single submitter. Criteria: Ambry Variant Classification Scheme 2023. Collection method: clinical testing. Allele origin: germline.

Breakthrough Genomics
Classification: Likely benign. Review status: criteria provided, single submitter. Criteria: ACMG Guidelines, 2015. Collection method: not provided. Allele origin: germline. Inheritance: Autosomal dominant inheritance. Affected: yes.

PreventionGenetics, part of Exact Sciences
Classification: Likely benign for TSC1-related condition. Last evaluated: 2023-02-28. Review status: no assertion criteria provided. Collection method: clinical testing. Allele origin: germline. Not counted in ClinVar's aggregate classification.
Comment: This variant is classified as likely benign based on ACMG/AMP sequence variant interpretation guidelines (Richards et al. 2015 PMID: 25741868, with internal and published modifications).